The following is an entry in ClinVar:

NM_022166.4(XYLT1):c.1935C>T (p.Ser645=)

Genes: XYLT1 (xylosyltransferase 1; minus strand), LOC102723692 (uncharacterized LOC102723692; plus strand). Cytogenetic location: 16p12.3.
Variant type: single nucleotide variant.
Coding change: c.1935C>T on transcript NM_022166.4 (MANE Select); coding-DNA position 1935, C replaced by T.
Protein change: p.Ser645=; no amino-acid change (serine 645 retained).
Molecular consequence: synonymous variant.
Genome position (GRCh38, 1-based): chr16:17,134,565, G>A on the plus strand (C>T on the coding strand, the complement: XYLT1 is on the minus strand). VCF-style: chr16-17134565-G-A. GRCh37 (hg19) VCF-style: chr16-17228422-G-A.
Other names: c.1935C>T (NM_022166.3).
Identifiers: ClinVar variation 1167492 (VCV001167492.11), dbSNP rs543473631, ClinGen allele CA7927728.

ClinVar aggregate classification (germline): Benign/Likely benign. Review status: criteria provided, multiple submitters, no conflicts (2 of 4 stars). 3 submissions from 3 submitters: Benign (1); Likely benign (2). Last evaluated 2026-01-18.

Conditions:
XYLT1-related disorder. Also called: XYLT1-related condition.
Desbuquois dysplasia 1 (DBQD1). Also called: MICROMELIC DWARFISM WITH VERTEBRAL AND METAPHYSEAL ABNORMALITIES AND ADVANCED CARPOTARSAL OSSIFICATION; DESBUQUOIS DYSPLASIA 1, KIM VARIANT. Identifiers: Orphanet 1425, MedGen C4012146, MONDO:0009629, OMIM 251450.

Allele frequency attached by ClinVar (database versions not stated): gnomAD 0.00001 and 0.00008; TOPMed 0.00003; gnomAD exomes 0.00018 and 0.00046; ExAC 0.00044; 1000 Genomes Project 0.00060; 1000 Genomes Project 30x 0.00062.
gnomAD v4.1: 288 of 1,614,130 alleles (0.018%); highest among the groups gnomAD compares: South Asian, 0.28%; 3 homozygotes.

Submissions (3):

Labcorp Genetics (formerly Invitae), Labcorp
Classification: Benign for Desbuquois dysplasia 1. Last evaluated: 2026-01-18. Review status: criteria provided, single submitter. Criteria: Invitae Variant Classification Sherloc (09022015). Collection method: clinical testing. Allele origin: germline.

PreventionGenetics, part of Exact Sciences
Classification: Likely benign for XYLT1-related condition. Last evaluated: 2025-08-21. Review status: criteria provided, single submitter. Criteria: ACMG Guidelines, 2015. Collection method: clinical testing. Allele origin: germline.
Comment: This variant is classified as likely benign based on ACMG/AMP sequence variant interpretation guidelines (Richards et al. 2015 PMID: 25741868, with internal and published modifications).

Blueprint Genetics
Classification: Likely benign. Last evaluated: 2024-03-25. Review status: criteria provided, single submitter. Criteria: ACMG Guidelines, 2015. Collection method: clinical testing. Allele origin: germline.